The following is an entry in ClinVar:

NM_032383.5(HPS3):c.436G>T (p.Gly146Ter)

Gene: HPS3 (HPS3 biogenesis of lysosomal organelles complex 2 subunit 1; plus strand). Cytogenetic location: 3q24.
Variant type: single nucleotide variant.
Coding change: c.436G>T on transcript NM_032383.5 (MANE Select); coding-DNA position 436, G replaced by T.
Protein change: p.Gly146Ter; replaces glycine 146 with a stop codon.
Molecular consequence: nonsense. On other transcripts: intron variant (1).
Genome position (GRCh38, 1-based): chr3:149,140,222, G>T. VCF-style: chr3-149140222-G-T. GRCh37 (hg19) VCF-style: chr3-148858009-G-T.
Other names: c.436G>T (NM_032383.4); c.218-795G>T (NM_001308258.2); short protein forms G146*.
Identifiers: ClinVar variation 1427312 (VCV001427312.10), dbSNP rs752837159, ClinGen allele CA2659810.

ClinVar aggregate classification (germline): Pathogenic/Likely pathogenic. Review status: criteria provided, multiple submitters, no conflicts (2 of 4 stars). 4 submissions from 4 submitters: Pathogenic (1); Likely pathogenic (2). 1 of the submissions does not count toward it. Last evaluated 2025-04-23.

Conditions:
HPS3-related disorder. Also called: HPS3-related condition.
Hermansky-Pudlak syndrome (HPS). Also called: ALBINISM WITH HEMORRHAGIC DIATHESIS AND PIGMENTED RETICULOENDOTHELIAL CELLS. Identifiers: Orphanet 79430, MedGen C0079504, MONDO:0019312.
Hermansky-Pudlak syndrome 3 (HPS3). Identifiers: Orphanet 231512, Orphanet 79430, MedGen C3888001, MONDO:0013555, OMIM 614072.

Allele frequency attached by ClinVar (database versions not stated): gnomAD exomes below 0.00001 and 0.00001; ExAC 0.00001; TOPMed 0.00001; gnomAD 0.00002.

Submissions (4):

Natera, Inc.
Classification: Likely pathogenic for Hermansky-Pudlak syndrome. Last evaluated: 2025-04-23. Review status: criteria provided, single submitter. Criteria: Natera Variant Classification Schema (03/2026). Collection method: clinical testing. Allele origin: germline.
Comment: The c.436G>T variant in HPS3 is a nonsense variant predicted to introduce a stop codon at amino acid 146. This variant is expected to result in nonsense mediated decay, truncation, or a dysfunctional protein product. This variant is rare in the general population with a frequency below the threshold expected for the associated phenotype(s). Given the available evidence, this variant is classified as Likely Pathogenic.

Baylor Genetics
Classification: Likely pathogenic for Hermansky-Pudlak syndrome 3. Last evaluated: 2023-10-11. Review status: criteria provided, single submitter. Criteria: ACMG Guidelines, 2015. Collection method: clinical testing. Allele origin: unknown.

Labcorp Genetics (formerly Invitae), Labcorp
Classification: Pathogenic. Last evaluated: 2022-01-15. Review status: criteria provided, single submitter. Criteria: Invitae Variant Classification Sherloc (09022015). Collection method: clinical testing. Allele origin: germline.
Comment: This sequence change creates a premature translational stop signal (p.Gly146*) in the HPS3 gene. It is expected to result in an absent or disrupted protein product. Loss-of-function variants in HPS3 are known to be pathogenic (PMID: 11590544). This variant is present in population databases (rs752837159, gnomAD 0.002%). This variant has not been reported in the literature in individuals affected with HPS3-related conditions. For these reasons, this variant has been classified as Pathogenic.

PreventionGenetics, part of Exact Sciences
Classification: Likely pathogenic for HPS3-related condition. Last evaluated: 2023-12-11. Review status: no assertion criteria provided. Collection method: clinical testing. Allele origin: germline. Not counted in ClinVar's aggregate classification.
Comment: The HPS3 c.436G>T variant is predicted to result in premature protein termination (p.Gly146*). To our knowledge, this variant has not been reported in the literature. This variant is reported in 0.0015% of alleles in individuals of European (Non-Finnish) descent in gnomAD. Nonsense variants in HPS3 are expected to be pathogenic. This variant is interpreted as likely pathogenic.

Literature cited by the submitters: PubMed 11590544 (cited by Labcorp Genetics (formerly Invitae), Labcorp).